The following is an entry in ClinVar:

ClinVar aggregate classification (germline): Uncertain significance. Review status: criteria provided, multiple submitters, no conflicts (2 of 4 stars). 3 submissions from 3 submitters: Uncertain significance (3). Last evaluated 2026-05-21.

Conditions:
POU4F3-related disorder. Also called: POU4F3-related condition.
Autosomal dominant nonsyndromic hearing loss 15 (DFNA15). Also called: DEAFNESS, AUTOSOMAL DOMINANT 52; Autosomal dominant nonsyndromic hearing loss 52. Identifiers: Orphanet 90635, MedGen C1865366, MONDO:0011226, OMIM 602459.

Allele frequency attached by ClinVar (database versions not stated): 1000 Genomes Project 30x 0.00016; 1000 Genomes Project 0.00020.
gnomAD v4.1: 33 of 1,609,854 alleles (0.002%); highest among the groups gnomAD compares: East Asian, 0.06%; no homozygotes.

Submissions (3):

PreventionGenetics, part of Exact Sciences
Classification: Uncertain significance for POU4F3-related condition. Last evaluated: 2026-05-21. Review status: criteria provided, single submitter. Criteria: ACMG Guidelines, 2015. Collection method: clinical testing. Allele origin: germline.
Comment: The POU4F3 c.491C>G variant is predicted to result in the amino acid substitution p.Pro164Arg. This variant was reported to segregate with autosomal dominant hearing loss in a single family, although details of segregation analysis was not presented (Wei et al. 2014. PubMed ID: 25388789). This variant is reported in 0.040% of alleles in individuals of East Asian descent in gnomAD. At this time, the clinical significance of this variant is uncertain due to the absence of conclusive functional and genetic evidence.

Labcorp Genetics (formerly Invitae), Labcorp
Classification: Uncertain significance. Last evaluated: 2023-07-12. Review status: criteria provided, single submitter. Criteria: Invitae Variant Classification Sherloc (09022015). Collection method: clinical testing. Allele origin: germline.
Comment: This sequence change replaces proline, which is neutral and non-polar, with arginine, which is basic and polar, at codon 164 of the POU4F3 protein (p.Pro164Arg). This variant is present in population databases (rs367737951, gnomAD 0.05%). This missense change has been observed in individual(s) with deafness (PMID: 25388789). Advanced modeling of protein sequence and biophysical properties (such as structural, functional, and spatial information, amino acid conservation, physicochemical variation, residue mobility, and thermodynamic stability) performed at Invitae indicates that this missense variant is not expected to disrupt POU4F3 protein function. In summary, the available evidence is currently insufficient to determine the role of this variant in disease. Therefore, it has been classified as a Variant of Uncertain Significance.

Juno Genomics, Hangzhou Juno Genomics, Inc
Classification: Uncertain significance for Autosomal dominant nonsyndromic hearing loss 15. Review status: criteria provided, single submitter. Criteria: ACMG Guidelines, 2015. Collection method: clinical testing. Allele origin: germline.
Comment: Multiple lines of computational evidence support a deleterious effect on the gene or gene product.;The prevalence of the variant in affected individuals is significantly increased compared to the prevalence in controls.

Literature cited by the submitters: PubMed 25388789 (cited by Labcorp Genetics (formerly Invitae), Labcorp).

NM_002700.3(POU4F3):c.491C>G (p.Pro164Arg)

Genes: POU4F3 (POU class 4 homeobox 3; plus strand), RBM27-POU4F3 (RBM27-POU4F3 readthrough; plus strand). Cytogenetic location: 5q32.
Variant type: single nucleotide variant.
Coding change: c.491C>G on transcript NM_002700.3 (MANE Select); coding-DNA position 491, C replaced by G.
Protein change: p.Pro164Arg; replaces proline 164 with arginine.
Molecular consequence: missense variant. On other transcripts: 3 prime UTR variant (1).
Genome position (GRCh38, 1-based): chr5:146,339,918, C>G. VCF-style: chr5-146339918-C-G. GRCh37 (hg19) VCF-style: chr5-145719481-C-G.
Other names: c.491C>G (NM_002700.2); c.*360C>G (NM_001414499.1); short protein forms P164R.
Identifiers: ClinVar variation 2734793 (VCV002734793.5), dbSNP rs367737951, ClinGen allele CA3491144.
Genomic context (GRCh38, chr5:146,339,918, plus strand): 5'-TCCATCCACACCACCTGGGCGCCATGGGCCACCTGCACCAGGCCATGGGCATGAGTCACC[C>G]GCACACCGTGGCCCCTCATAGCGCCATGCCTGCATGCCTCAGCGACGTGGAGTCAGACCC-3'
Protein context (NP_002691.1, residues 154-174): HLHQAMGMSH[Pro164Arg]HTVAPHSAMP